The following is an entry in ClinVar:

ClinVar aggregate classification (germline): Uncertain significance (1 of 4 stars; one submission).

Conditions:
Donnai-Barrow syndrome. Also called: DBS/FOAR SYNDROME; FACIOOCULOACOUSTICORENAL SYNDROME. Identifiers: Orphanet 2143, MedGen C1857277, MONDO:0009104, OMIM 222448.

Submission:

Myriad Genetics, Inc.
Classification: Uncertain significance for Donnai-Barrow syndrome. Last evaluated: 2026-04-13. Review status: criteria provided, single submitter. Criteria: Myriad Autosomal Dominant, Autosomal Recessive and X-Linked Classification Criteria (2023). Collection method: clinical testing. Allele origin: unknown.
Comment: NM_004525.2(LRP2):c.7030_7032delAAC(N2344del) is an in-frame deletion classified as a variant of uncertain significance in the context of Donnai-Barrow syndrome. N2344del has not been observed in cases with relevant disease. Relevant functional assessments of this variant are not available in the literature. N2344del has been observed in referenced population frequency databases. In summary, there is insufficient evidence to classify NM_004525.2(LRP2):c.7030_7032delAAC(N2344del) as pathogenic or benign. Please note: this variant was assessed in the context of healthy population screening.

NM_004525.3(LRP2):c.7024AAC[2] (p.Asn2344del)

Gene: LRP2 (LDL receptor related protein 2; minus strand). Cytogenetic location: 2q31.1.
Variant type: Microsatellite.
Coding change: c.7024AAC[2] on transcript NM_004525.3 (MANE Select); two copies in a row of the 3-base unit AAC starting at c.7024; the reference has three copies in a row; one copy, 3 bases deleted.
Protein change: p.Asn2344del; deletes asparagine 2344.
Molecular consequence: inframe deletion.
Genome position (GRCh38, 1-based): chr2:169,206,688-169,206,690, GTT deleted on the plus strand (AAC on the coding strand, the reverse complement: LRP2 is on the minus strand); deleting any 3 consecutive bases within chr2:169,206,688-169,206,697 gives the same sequence; the position shown is the placement nearest the transcript's 3' end. VCF-style (leftmost placement, unchanged base first): chr2-169206687-GGTT-G. GRCh37 (hg19) VCF-style: chr2-170063197-GGTT-G.
Other names: short protein forms N2344del.
Identifiers: ClinVar variation 5003954 (VCV005003954.1).